The following is an entry in ClinVar:

ClinVar aggregate classification (germline): Pathogenic (1 of 4 stars; one submission).

Conditions:
Polycystic kidney disease, adult type (PKD1). Also called: Polycystic Kidney Disease 1, Autosomal Dominant; Polycystic kidney disease 1; Polycystic kidney disease 1, severe; POLYCYSTIC KIDNEY DISEASE 1 WITH OR WITHOUT POLYCYSTIC LIVER DISEASE; POLYCYSTIC KIDNEY DISEASE, ADULT, TYPE I; Polycystic Kidney, Autosomal Dominant. Identifiers: MedGen C3149841, MONDO:0008263, OMIM 173900.

Submission:

Victorian Clinical Genetics Services, Murdoch Childrens Research Institute
Classification: Pathogenic for Polycystic kidney disease, adult type. Last evaluated: 2023-12-21. Review status: criteria provided, single submitter. Criteria: ACMG Guidelines, 2015. Collection method: clinical testing. Allele origin: germline. Inheritance: Autosomal dominant inheritance. Affected: yes.
Comment: Based on the classification scheme VCGS_Germline_v1.3.4, this variant is classified as Pathogenic. Following criteria are met: 0102 - Loss of function is a known mechanism of disease in this gene and is associated with polycystic kidney disease 1 (MIM#173900). (I) 0107 - This gene is associated with autosomal dominant disease. Polycystic kidney disease 1 (MIM#173900) is predominantly caused by monoallelic variants, with rare reports of biallelic variants causing disease (OMIM). (I) 0201 - Variant is predicted to cause nonsense-mediated decay (NMD) and loss of protein (premature termination codon is located at least 54 nucleotides upstream of the final exon-exon junction). (SP) 0251 - This variant is heterozygous. (I) 0301 - Variant is absent from gnomAD (both v2 and v3). (SP) 0701 - Other NMD predicted variants comparable to the one identified in this case have very strong previous evidence for pathogenicity (DECIPHER). (SP) 0807 - This variant has no previous evidence of pathogenicity. (I) 0905 - No published segregation evidence has been identified for this variant. (I) 1007 - No published functional evidence has been identified for this variant. (I) 1208 - Inheritance information for this variant is not currently available in this individual. (I) Legend: (SP) - Supporting pathogenic, (I) - Information, (SB) - Supporting benign

NM_001009944.3(PKD1):c.9462_9478del (p.Asp3155fs)

Gene: PKD1 (polycystin 1, transient receptor potential channel interacting; minus strand). Cytogenetic location: 16p13.3.
Variant type: Deletion.
Coding change: c.9462_9478del on transcript NM_001009944.3 (MANE Select); coding-DNA positions 9462 to 9478, 17 bases deleted (GGACGGCGACAGAGCCT).
Protein change: p.Asp3155fs; shifts the reading frame from aspartic acid 3155.
Molecular consequence: frameshift variant.
Genome position (GRCh38, 1-based): chr16:2,100,486-2,100,502, AGGCTCTGTCGCCGTCC deleted on the plus strand (GGACGGCGACAGAGCCT on the coding strand, the reverse complement: PKD1 is on the minus strand); deleting any 17 consecutive bases within chr16:2,100,486-2,100,505 gives the same sequence; the c. name uses the placement nearest the transcript's 3' end. VCF-style (leftmost placement, unchanged base first): chr16-2100485-AAGGCTCTGTCGCCGTCC-A. GRCh37 (hg19) VCF-style: chr16-2150486-AAGGCTCTGTCGCCGTCC-A.
Other names: c.9462_9478del, p.Asp3155fs (NM_000296.4); c.9459_9475del17, p.Asp3155Profs (NM_001009944.2); short protein forms D3155fs.
Identifiers: ClinVar variation 3254845 (VCV003254845.1), dbSNP rs2544718286.